The following is an entry in ClinVar:

NM_024408.4(NOTCH2):c.3907A>C (p.Thr1303Pro)

Gene: NOTCH2 (notch receptor 2; minus strand). Cytogenetic location: 1p12.
Variant type: single nucleotide variant.
Coding change: c.3907A>C on transcript NM_024408.4 (MANE Select); coding-DNA position 3907, A replaced by C.
Protein change: p.Thr1303Pro; replaces threonine 1303 with proline.
Molecular consequence: missense variant.
Genome position (GRCh38, 1-based): chr1:119,926,597, T>G on the plus strand (A>C on the coding strand, the complement: NOTCH2 is on the minus strand). VCF-style: chr1-119926597-T-G. GRCh37 (hg19) VCF-style: chr1-120469220-T-G.
Other names: short protein forms T1303P.
Identifiers: ClinVar variation 2732265 (VCV002732265.4), dbSNP rs1316367409, ClinGen allele CA341892246.

ClinVar aggregate classification (germline): Uncertain significance. Review status: criteria provided, multiple submitters, no conflicts (2 of 4 stars). 2 submissions from 2 submitters: Uncertain significance (2). Last evaluated 2024-04-02.

Conditions:
Hajdu-Cheney syndrome (HJCYS). Also called: Acroosteolysis dominant type; SERPENTINE FIBULA-POLYCYSTIC KIDNEY SYNDROME; ACROOSTEOLYSIS WITH OSTEOPOROSIS AND CHANGES IN SKULL AND MANDIBLE. Identifiers: Orphanet 955, MedGen C0917715, MONDO:0007057, OMIM 102500.
Alagille syndrome due to a NOTCH2 point mutation. Also called: Alagille syndrome 2. Identifiers: Orphanet 261629, Orphanet 52, MedGen C1857761, MONDO:0012439, OMIM 610205.

Allele frequency attached by ClinVar (database versions not stated): gnomAD exomes below 0.00001; gnomAD 0.00001; TOPMed 0.00001.
gnomAD v4.1: 5 of 1,607,630 alleles (0.00031%); highest among the groups gnomAD compares: Non-Finnish European, 0.00043%; no homozygotes.

Submissions (2):

Fulgent Genetics
Classification: Uncertain significance for Hajdu-Cheney syndrome; Alagille syndrome due to a NOTCH2 point mutation. Last evaluated: 2024-04-02. Review status: criteria provided, single submitter. Criteria: ACMG Guidelines, 2015. Collection method: clinical testing. Allele origin: germline.

Labcorp Genetics (formerly Invitae), Labcorp
Classification: Uncertain significance for Hajdu-Cheney syndrome. Last evaluated: 2023-10-22. Review status: criteria provided, single submitter. Criteria: Invitae Variant Classification Sherloc (09022015). Collection method: clinical testing. Allele origin: germline.
Comment: This sequence change replaces threonine, which is neutral and polar, with proline, which is neutral and non-polar, at codon 1303 of the NOTCH2 protein (p.Thr1303Pro). This variant is not present in population databases (gnomAD no frequency). This variant has not been reported in the literature in individuals affected with NOTCH2-related conditions. Advanced modeling of protein sequence and biophysical properties (such as structural, functional, and spatial information, amino acid conservation, physicochemical variation, residue mobility, and thermodynamic stability) performed at Invitae indicates that this missense variant is not expected to disrupt NOTCH2 protein function. In summary, the available evidence is currently insufficient to determine the role of this variant in disease. Therefore, it has been classified as a Variant of Uncertain Significance.